The following is an entry in ClinVar:

NM_001267550.2(TTN):c.107747T>C (p.Val35916Ala)

Genes: TTN (titin; minus strand), TTN-AS1 (TTN antisense RNA 1; plus strand). Cytogenetic location: 2q31.2.
Variant type: single nucleotide variant.
Coding change: c.107747T>C on transcript NM_001267550.2 (MANE Select); coding-DNA position 107747, T replaced by C.
Protein change: p.Val35916Ala; replaces valine 35916 with alanine.
Molecular consequence: missense variant.
Genome position (GRCh38, 1-based): chr2:178,527,241, A>G on the plus strand (T>C on the coding strand, the complement: TTN is on the minus strand). VCF-style: chr2-178527241-A-G. GRCh37 (hg19) VCF-style: chr2-179391968-A-G.
Other names: c.102824T>C, p.Val34275Ala (NM_001256850.1); c.80552T>C, p.Val26851Ala (NM_003319.4); c.100043T>C, p.Val33348Ala (NM_133378.4); c.80927T>C, p.Val26976Ala (NM_133432.3); c.81128T>C, p.Val27043Ala (NM_133437.4); short protein forms V26976A, V27043A, V26851A, V33348A, V35916A, V34275A.
Identifiers: ClinVar variation 1408765 (VCV001408765.8), dbSNP rs2154129959, ClinGen allele CA349399377.

ClinVar aggregate classification (germline): Uncertain significance. Review status: criteria provided, multiple submitters, no conflicts (2 of 4 stars). 2 submissions from 2 submitters: Uncertain significance (2). Last evaluated 2021-04-14.

Conditions:
Cardiovascular phenotype. Identifiers: MedGen CN230736.
Autosomal recessive limb-girdle muscular dystrophy type 2J (LGMDR10). Also called: MUSCULAR DYSTROPHY, LIMB-GIRDLE, AUTOSOMAL RECESSIVE 10; Limb-girdle muscular dystrophy, type 2J. Identifiers: Orphanet 140922, MedGen C1837342, MONDO:0012127, OMIM 608807.
Dilated cardiomyopathy 1G (CMD1G). Identifiers: Orphanet 154, MedGen C1858763, MONDO:0011400, OMIM 604145.

Submissions (2):

Labcorp Genetics (formerly Invitae), Labcorp
Classification: Uncertain significance for Dilated cardiomyopathy 1G; Autosomal recessive limb-girdle muscular dystrophy type 2J. Last evaluated: 2021-04-14. Review status: criteria provided, single submitter. Criteria: Invitae Variant Classification Sherloc (09022015). Collection method: clinical testing. Allele origin: germline.
Comment: This variant is not present in population databases (ExAC no frequency). This variant has not been reported in the literature in individuals with TTN-related conditions. Experimental studies and prediction algorithms are not available or were not evaluated, and the functional significance of this variant is currently unknown. In summary, the available evidence is currently insufficient to determine the role of this variant in disease. Therefore, it has been classified as a Variant of Uncertain Significance. This variant is located in the M band of TTN (PMID: 25589632). Variants in this region may be relevant for neuromuscular disorders, but have not been definitively shown to cause cardiomyopathy (PMID: 23975875). This sequence change replaces valine with alanine at codon 35916 of the TTN protein (p.Val35916Ala). There is a small physicochemical difference between valine and alanine.

Ambry Genetics
Classification: Uncertain significance for Cardiovascular phenotype. Last evaluated: 2019-03-01. Review status: criteria provided, single submitter. Criteria: Ambry Variant Classification Scheme 2023. Collection method: clinical testing. Allele origin: germline.
Comment: The p.V26851A variant (also known as c.80552T>C), located in coding exon 190 of the TTN gene, results from a T to C substitution at nucleotide position 80552. The valine at codon 26851 is replaced by alanine, an amino acid with similar properties. This amino acid position is not well conserved in available vertebrate species. In addition, the in silico prediction for this alteration is inconclusive. Since supporting evidence is limited at this time, the clinical significance of this alteration remains unclear.

Literature cited by the submitters: PubMed 25589632 (cited by Labcorp Genetics (formerly Invitae), Labcorp); PubMed 23975875 (cited by Labcorp Genetics (formerly Invitae), Labcorp).